The following is an entry in ClinVar:

ClinVar aggregate classification (germline): Uncertain significance. Review status: criteria provided, multiple submitters, no conflicts (2 of 4 stars). 2 submissions from 2 submitters: Uncertain significance (2). Last evaluated 2025-10-15.

Conditions:
Cardiovascular phenotype. Identifiers: MedGen CN230736.
ANKRD1-related dilated cardiomyopathy. Identifiers: MedGen CN119551.

Allele frequency attached by ClinVar (database versions not stated): ExAC 0.00002; TOPMed 0.00002.
gnomAD v4.1: 8 of 1,613,964 alleles (0.0005%); highest among the groups gnomAD compares: Admixed American, 0.01%; no homozygotes.

Submissions (2):

Labcorp Genetics (formerly Invitae), Labcorp
Classification: Uncertain significance for ANKRD1-related dilated cardiomyopathy. Last evaluated: 2025-10-15. Review status: criteria provided, single submitter. Criteria: Invitae Variant Classification Sherloc (09022015). Collection method: clinical testing. Allele origin: germline.
Comment: This sequence change replaces arginine, which is basic and polar, with cysteine, which is neutral and slightly polar, at codon 195 of the ANKRD1 protein (p.Arg195Cys). This variant is present in population databases (rs769305030, gnomAD 0.01%). This variant has not been reported in the literature in individuals affected with ANKRD1-related conditions. ClinVar contains an entry for this variant (Variation ID: 1750005). Invitae Evidence Modeling of protein sequence and biophysical properties (such as structural, functional, and spatial information, amino acid conservation, physicochemical variation, residue mobility, and thermodynamic stability) has been performed for this missense variant. However, the output from this modeling did not meet the statistical confidence thresholds required to predict the impact of this variant on ANKRD1 protein function. In summary, the available evidence is currently insufficient to determine the role of this variant in disease. Therefore, it has been classified as a Variant of Uncertain Significance.

Ambry Genetics
Classification: Uncertain significance for Cardiovascular phenotype. Last evaluated: 2022-09-05. Review status: criteria provided, single submitter. Criteria: Ambry Variant Classification Scheme 2023. Collection method: clinical testing. Allele origin: germline.
Comment: The p.R195C variant (also known as c.583C>T), located in coding exon 6 of the ANKRD1 gene, results from a C to T substitution at nucleotide position 583. The arginine at codon 195 is replaced by cysteine, an amino acid with highly dissimilar properties. This amino acid position is conserved. In addition, this alteration is predicted to be deleterious by in silico analysis. Since supporting evidence is limited at this time, the clinical significance of this alteration remains unclear.

NM_014391.3(ANKRD1):c.583C>T (p.Arg195Cys)

Gene: ANKRD1 (ankyrin repeat domain 1; minus strand). Cytogenetic location: 10q23.31.
Variant type: single nucleotide variant.
Coding change: c.583C>T on transcript NM_014391.3 (MANE Select); coding-DNA position 583, C replaced by T.
Protein change: p.Arg195Cys; replaces arginine 195 with cysteine.
Molecular consequence: missense variant.
Genome position (GRCh38, 1-based): chr10:90,916,239, G>A on the plus strand (C>T on the coding strand, the complement: ANKRD1 is on the minus strand). VCF-style: chr10-90916239-G-A. GRCh37 (hg19) VCF-style: chr10-92675996-G-A.
Other names: short protein forms R195C.
Identifiers: ClinVar variation 1750005 (VCV001750005.7), dbSNP rs769305030, ClinGen allele CA5598684.